The following is an entry in ClinVar:

NM_182961.4(SYNE1):c.22923C>T (p.Ala7641=)

Gene: SYNE1 (spectrin repeat containing nuclear envelope protein 1; minus strand). Cytogenetic location: 6q25.2.
Variant type: single nucleotide variant.
Coding change: c.22923C>T on transcript NM_182961.4 (MANE Select); coding-DNA position 22923, C replaced by T.
Protein change: p.Ala7641=; no amino-acid change (alanine 7641 retained).
Molecular consequence: synonymous variant.
Genome position (GRCh38, 1-based): chr6:152,206,264, G>A on the plus strand (C>T on the coding strand, the complement: SYNE1 is on the minus strand). VCF-style: chr6-152206264-G-A. GRCh37 (hg19) VCF-style: chr6-152527399-G-A.
Other names: c.22710C>T, p.Ala7570= (NM_033071.5); c.22710C>T (NM_033071.3).
Identifiers: ClinVar variation 593245 (VCV000593245.34), dbSNP rs2296253, ClinGen allele CA4053751.
Genomic context (GRCh38, chr6:152,206,264, plus strand): 5'-CAGCCGCATGCTGGCTGATTTCCATTTCTCTTGGATTTCAGCGAGTTCGGCCTGCAAGGC[G>A]GCCTCAGCGCCACTGTCCGCCGAGAGAAGGAGTTGCTTGCCAGCCTCCACAGTCAGGATG-3'
Protein context (NP_892006.3, residues 7631-7651): LLLSADSGAE[Ala7641=]ALQAELAEIQ

ClinVar aggregate classification (germline): Conflicting classifications of pathogenicity. Review status: criteria provided, conflicting classifications (1 of 4 stars). 4 submissions from 4 submitters: Uncertain significance (1); Likely benign (2). 1 of the submissions does not count toward it. Last evaluated 2025-08-03.

Conditions:
SYNE1-related disorder. Also called: SYNE1-related disorders; SYNE1-related disease; SYNE1-related condition.
Emery-Dreifuss muscular dystrophy 4, autosomal dominant (EDMD4). Also called: EMERY-DREIFUSS MUSCULAR DYSTROPHY 4 WITH VARIABLE FEATURES. Identifiers: Orphanet 261, MedGen C2751807, MONDO:0013071, OMIM 612998.
Autosomal recessive ataxia, Beauce type. Also called: SYNE1 Deficiency; SYNE1-Related Autosomal Recessive Cerebellar Ataxia; Spinocerebellar ataxia, autosomal recessive 8; ATAXIA, RECESSIVE, OF BEAUCE. Identifiers: Orphanet 88644, MedGen C1853116, MONDO:0012549, OMIM 610743.

Allele frequency attached by ClinVar (database versions not stated): gnomAD exomes 0.00004; ExAC 0.00006; gnomAD 0.00017 and 0.00018; TOPMed 0.00020; ESP Exome Variant Server 0.00023.
gnomAD v4.1: 83 of 1,613,766 alleles (0.0051%); highest among the groups gnomAD compares: African/African-American, 0.056%; no homozygotes.

Submissions (4):

Labcorp Genetics (formerly Invitae), Labcorp
Classification: Likely benign for Emery-Dreifuss muscular dystrophy 4, autosomal dominant; Autosomal recessive ataxia, Beauce type. Last evaluated: 2025-08-03. Review status: criteria provided, single submitter. Criteria: Invitae Variant Classification Sherloc (09022015). Collection method: clinical testing. Allele origin: germline.

CeGaT Center for Human Genetics Tuebingen
Classification: Likely benign. Last evaluated: 2022-10-01. Review status: criteria provided, single submitter. Criteria: CeGaT Center For Human Genetics Tuebingen Variant Classification Criteria Version 2. Collection method: clinical testing. Allele origin: germline. Affected: yes. Observed: 1 variant allele.
Comment: SYNE1: BP4, BP7

Eurofins Ntd Llc (ga)
Classification: Uncertain significance. Last evaluated: 2017-07-17. Review status: criteria provided, single submitter. Criteria: EGL Classification Definitions 2015. Collection method: clinical testing. Allele origin: germline. Observed: 1 variant allele, 1 heterozygote.

PreventionGenetics, part of Exact Sciences
Classification: Likely benign for SYNE1-related condition. Last evaluated: 2019-03-20. Review status: no assertion criteria provided. Collection method: clinical testing. Allele origin: germline. Not counted in ClinVar's aggregate classification.
Comment: This variant is classified as likely benign based on ACMG/AMP sequence variant interpretation guidelines (Richards et al. 2015 PMID: 25741868, with internal and published modifications).